The following is an entry in ClinVar:

NM_000018.4(ACADVL):c.938_940del (p.Asp313del)

Gene: ACADVL (acyl-CoA dehydrogenase very long chain; plus strand). Cytogenetic location: 17p13.1.
Variant type: Deletion.
Coding change: c.938_940del on transcript NM_000018.4 (MANE Select); coding-DNA positions 938 to 940, 3 bases deleted (ATG; older notation c.938_940delATG).
Protein change: p.Asp313del; deletes aspartic acid 313.
Molecular consequence: inframe deletion.
Genome position (GRCh38, 1-based): chr17:7,222,726-7,222,728, ATG deleted; deleting any 3 consecutive bases within chr17:7,222,724-7,222,728 gives the same sequence; the c. name uses the placement nearest the transcript's 3' end. VCF-style (leftmost placement, unchanged base first): chr17-7222723-TTGA-T. GRCh37 (hg19) VCF-style: chr17-7126042-TTGA-T.
Other names: c.872_874del, p.Asp291del (NM_001033859.3); c.1007_1009del, p.Asp336del (NM_001270447.2); c.710_712del, p.Asp237del (NM_001270448.2); short protein forms D237del, D336del, D291del, D313del.
Identifiers: ClinVar variation 1351772 (VCV001351772.5), dbSNP rs2142980046, ClinGen allele CA2573154560.

ClinVar aggregate classification (germline): Uncertain significance (1 of 4 stars; one submission).

Conditions:
Very long chain acyl-CoA dehydrogenase deficiency (ACADVLD). Also called: Very Long-Chain Acyl-Coenzyme A Dehydrogenase Deficiency; VLCAD Deficiency. Identifiers: Orphanet 26793, MedGen C3887523, MONDO:0008723, OMIM 201475.

Submission:

Labcorp Genetics (formerly Invitae), Labcorp
Classification: Uncertain significance for Very long chain acyl-CoA dehydrogenase deficiency. Last evaluated: 2021-08-31. Review status: criteria provided, single submitter. Criteria: Invitae Variant Classification Sherloc (09022015). Collection method: clinical testing. Allele origin: germline.
Comment: This variant, c.938_940del, results in the deletion of 1 amino acid(s) of the ACADVL protein (p.Asp313del), but otherwise preserves the integrity of the reading frame. This variant is not present in population databases (ExAC no frequency). This variant has been observed in individual(s) with very long chain acyl-CoA dehydrogenase deficiency (Invitae). In at least one individual the data is consistent with the variant being in trans (on the opposite chromosome) from a pathogenic variant. Experimental studies and prediction algorithms are not available or were not evaluated, and the functional significance of this variant is currently unknown. In summary, the available evidence is currently insufficient to determine the role of this variant in disease. Therefore, it has been classified as a Variant of Uncertain Significance.